The following is an entry in ClinVar:

NM_003628.6(PKP4):c.1200C>A (p.Asp400Glu)

Gene: PKP4 (plakophilin 4; plus strand). Cytogenetic location: 2q24.1.
Variant type: single nucleotide variant.
Coding change: c.1200C>A on transcript NM_003628.6 (MANE Select); coding-DNA position 1200, C replaced by A.
Protein change: p.Asp400Glu; replaces aspartic acid 400 with glutamic acid.
Molecular consequence: missense variant.
Genome position (GRCh38, 1-based): chr2:158,631,799, C>A. VCF-style: chr2-158631799-C-A. GRCh37 (hg19) VCF-style: chr2-159488311-C-A.
Other names: c.1200C>A, p.Asp400Glu (NM_001005476.4, NM_001304969.3, NM_001304971.2 and 6 more transcripts); c.174C>A, p.Asp58Glu (NM_001304970.3); c.1194C>A, p.Asp398Glu (NM_001377222.1, NM_001377223.1, NM_001377224.1); short protein forms D398E, D400E, D58E.
Identifiers: ClinVar variation 4138147 (VCV004138147.1).
Genomic context (GRCh38, chr2:158,631,799, plus strand): 5'-TTTTGTGCCTCTAGGCTTACGGAGTTCCTATGCTAGTCAGCATAGTCAGCTTGGGCAAGA[C>A]CTTCGTTCTGCCGTGTCTCCCGACTTGCACATTACTCCTATATATGAGGGGAGGACCTAT-3'
Protein context (NP_003619.2, residues 390-410): YASQHSQLGQ[Asp400Glu]LRSAVSPDLH

ClinVar aggregate classification (germline): Uncertain significance (1 of 4 stars; one submission).

Submission:

Ambry Genetics
Classification: Uncertain significance. Last evaluated: 2025-06-20. Review status: criteria provided, single submitter. Criteria: Ambry Variant Classification Scheme 2023. Collection method: clinical testing. Allele origin: germline.
Comment: The p.D400E variant (also known as c.1200C>A), located in coding exon 7 of the PKP4 gene, results from a C to A substitution at nucleotide position 1200. The aspartic acid at codon 400 is replaced by glutamic acid, an amino acid with highly similar properties. This amino acid position is conserved. In addition, this alteration is predicted to be tolerated by in silico analysis. Based on the available evidence, the clinical significance of this variant remains unclear.